The following is an entry in ClinVar:

ClinVar aggregate classification (germline): Uncertain significance. Review status: criteria provided, multiple submitters, no conflicts (2 of 4 stars). 3 submissions from 3 submitters: Uncertain significance (3). Last evaluated 2025-12-17.

Conditions:
DIAPH3-related disorder. Also called: DIAPH3-related condition.

gnomAD v4.1: 128 of 1,611,510 alleles (0.0079%); highest among the groups gnomAD compares: South Asian, 0.13%; no homozygotes.

Submissions (3):

PreventionGenetics, part of Exact Sciences
Classification: Uncertain significance for DIAPH3-related condition. Last evaluated: 2025-12-17. Review status: criteria provided, single submitter. Criteria: ACMG Guidelines, 2015. Collection method: clinical testing. Allele origin: germline.
Comment: The DIAPH3 c.3266G>C variant is predicted to result in the amino acid substitution p.Arg1089Pro. To our knowledge, this variant has not been reported in the literature. This variant is reported in 0.13% of alleles in individuals of South Asian descent in gnomAD. Although we suspect that this variant may be benign, at this time, the clinical significance of this variant is uncertain due to the absence of conclusive functional and genetic evidence.

Ambry Genetics
Classification: Uncertain significance. Last evaluated: 2025-06-17. Review status: criteria provided, single submitter. Criteria: Ambry Variant Classification Scheme 2023. Collection method: clinical testing. Allele origin: germline.

Labcorp Genetics (formerly Invitae), Labcorp
Classification: Uncertain significance. Last evaluated: 2022-01-15. Review status: criteria provided, single submitter. Criteria: Invitae Variant Classification Sherloc (09022015). Collection method: clinical testing. Allele origin: germline.
Comment: In summary, the available evidence is currently insufficient to determine the role of this variant in disease. Therefore, it has been classified as a Variant of Uncertain Significance. Algorithms developed to predict the effect of missense changes on protein structure and function are either unavailable or do not agree on the potential impact of this missense change (SIFT: "Tolerated"; PolyPhen-2: "Possibly Damaging"; Align-GVGD: "Class C0"). This variant has not been reported in the literature in individuals affected with DIAPH3-related conditions. This variant is present in population databases (rs759456145, gnomAD 0.1%), and has an allele count higher than expected for a pathogenic variant. This sequence change replaces arginine, which is basic and polar, with proline, which is neutral and non-polar, at codon 1089 of the DIAPH3 protein (p.Arg1089Pro).

NM_001042517.2(DIAPH3):c.3266G>C (p.Arg1089Pro)

Gene: DIAPH3 (diaphanous related formin 3; minus strand). Cytogenetic location: 13q21.2.
Variant type: single nucleotide variant.
Coding change: c.3266G>C on transcript NM_001042517.2 (MANE Select); coding-DNA position 3266, G replaced by C.
Protein change: p.Arg1089Pro; replaces arginine 1089 with proline.
Molecular consequence: missense variant.
Genome position (GRCh38, 1-based): chr13:59,774,242, C>G on the plus strand (G>C on the coding strand, the complement: DIAPH3 is on the minus strand). VCF-style: chr13-59774242-C-G. GRCh37 (hg19) VCF-style: chr13-60348376-C-G.
Other names: c.3233G>C, p.Arg1078Pro (NM_001258366.2); c.3128G>C, p.Arg1043Pro (NM_001258367.2); c.3056G>C, p.Arg1019Pro (NM_001258368.2); c.3266G>C, p.Arg1089Pro (NM_001258369.2); c.2477G>C, p.Arg826Pro (NM_030932.4); c.3266G>C (NM_001042517.1); short protein forms R1019P, R1043P, R1078P, R1089P, R826P.
Identifiers: ClinVar variation 2421307 (VCV002421307.7), dbSNP rs759456145, ClinGen allele CA6996083.